The following is an entry in ClinVar:

ClinVar aggregate classification (germline): Likely pathogenic (1 of 4 stars; one submission).

Submission:

Labcorp Genetics (formerly Invitae), Labcorp
Classification: Likely pathogenic. Last evaluated: 2024-06-10. Review status: criteria provided, single submitter. Criteria: Invitae Variant Classification Sherloc (09022015). Collection method: clinical testing. Allele origin: germline.
Comment: This sequence change replaces tryptophan, which is neutral and slightly polar, with arginine, which is basic and polar, at codon 323 of the AVPR2 protein (p.Trp323Arg). This variant is not present in population databases (gnomAD no frequency). This missense change has been observed in individuals with nephrogenic diabetes insipidus (PMID: 7913579; Invitae). Advanced modeling of protein sequence and biophysical properties (such as structural, functional, and spatial information, amino acid conservation, physicochemical variation, residue mobility, and thermodynamic stability) performed at Invitae indicates that this missense variant is expected to disrupt AVPR2 protein function with a positive predictive value of 80%. This variant disrupts the p.Trp323 amino acid residue in AVPR2. Other variant(s) that disrupt this residue have been observed in individuals with AVPR2-related conditions (PMID: 10694923, 10820167), which suggests that this may be a clinically significant amino acid residue. In summary, the currently available evidence indicates that the variant is pathogenic, but additional data are needed to prove that conclusively. Therefore, this variant has been classified as Likely Pathogenic.

Literature cited by the submitters: PubMed 7913579; PubMed 10694923; PubMed 10820167.

NM_000054.7(AVPR2):c.967T>A (p.Trp323Arg)

Gene: AVPR2 (arginine vasopressin receptor 2; plus strand). Cytogenetic location: Xq28.
Variant type: single nucleotide variant.
Coding change: c.967T>A on transcript NM_000054.7 (MANE Select); coding-DNA position 967, T replaced by A.
Protein change: p.Trp323Arg; replaces tryptophan 323 with arginine.
Molecular consequence: missense variant. On other transcripts: 3 prime UTR variant (1), non-coding transcript variant (1).
Genome position (GRCh38, 1-based): chrX:153,906,579, T>A. VCF-style: chrX-153906579-T-A. GRCh37 (hg19) VCF-style: chrX-153172033-T-A.
Other names: c.*143T>A (NM_001146151.3); short protein forms W323R.
Identifiers: ClinVar variation 3724660 (VCV003724660.2).